The following is an entry in ClinVar:

ClinVar aggregate classification (germline): Uncertain significance. Review status: criteria provided, multiple submitters, no conflicts (2 of 4 stars). 3 submissions from 3 submitters: Uncertain significance (3). Last evaluated 2024-09-22.

Conditions:
Severe early-onset pulmonary alveolar proteinosis due to MARS deficiency. Also called: Interstitial lung and liver disease; PULMONARY ALVEOLAR PROTEINOSIS, REUNION ISLAND. Identifiers: Orphanet 440427, MedGen C4225400, MONDO:0014206, OMIM 615486.
Charcot-Marie-Tooth disease axonal type 2U. Also called: CHARCOT-MARIE-TOOTH NEUROPATHY, TYPE 2U; CHARCOT-MARIE-TOOTH DISEASE, AXONAL, AUTOSOMAL DOMINANT, TYPE 2U. Identifiers: Orphanet 397735, MedGen C4084821, MONDO:0014566, OMIM 616280.

Allele frequency attached by ClinVar (database versions not stated): ExAC 0.00001; gnomAD 0.00001; gnomAD exomes 0.00001 and 0.00003; TOPMed 0.00003; ESP Exome Variant Server 0.00008.
gnomAD v4.1: 49 of 1,614,066 alleles (0.003%); highest among the groups gnomAD compares: Non-Finnish European, 0.0041%; no homozygotes.

Submissions (3):

Labcorp Genetics (formerly Invitae), Labcorp
Classification: Uncertain significance for Charcot-Marie-Tooth disease axonal type 2U; Severe early-onset pulmonary alveolar proteinosis due to MARS deficiency. Last evaluated: 2024-09-22. Review status: criteria provided, single submitter. Criteria: Invitae Variant Classification Sherloc (09022015). Collection method: clinical testing. Allele origin: germline.
Comment: This sequence change replaces glutamine, which is neutral and polar, with glutamic acid, which is acidic and polar, at codon 841 of the MARS protein (p.Gln841Glu). This variant is present in population databases (rs368995987, gnomAD 0.002%). This variant has not been reported in the literature in individuals affected with MARS-related conditions. ClinVar contains an entry for this variant (Variation ID: 1046005). An algorithm developed to predict the effect of missense changes on protein structure and function (PolyPhen-2) suggests that this variant is likely to be tolerated. In summary, the available evidence is currently insufficient to determine the role of this variant in disease. Therefore, it has been classified as a Variant of Uncertain Significance.

Ambry Genetics
Classification: Uncertain significance. Last evaluated: 2024-05-20. Review status: criteria provided, single submitter. Criteria: Ambry Variant Classification Scheme 2023. Collection method: clinical testing. Allele origin: germline.

Mayo Clinic Laboratories, Mayo Clinic
Classification: Uncertain significance. Last evaluated: 2023-06-16. Review status: criteria provided, single submitter. Criteria: ACMG Guidelines, 2015. Collection method: clinical testing. Allele origin: germline. Observed: 1 variant allele.
Comment: BP4

NM_004990.4(MARS1):c.2521C>G (p.Gln841Glu)

Gene: MARS1 (methionyl-tRNA synthetase 1; plus strand). Cytogenetic location: 12q13.3.
Variant type: single nucleotide variant.
Coding change: c.2521C>G on transcript NM_004990.4 (MANE Select); coding-DNA position 2521, C replaced by G.
Protein change: p.Gln841Glu; replaces glutamine 841 with glutamic acid.
Molecular consequence: missense variant.
Genome position (GRCh38, 1-based): chr12:57,516,302, C>G. VCF-style: chr12-57516302-C-G. GRCh37 (hg19) VCF-style: chr12-57910085-C-G.
Other names: p.Gln841Glu; c.2521C>G (NM_004990.3); short protein forms Q841E.
Identifiers: ClinVar variation 1046005 (VCV001046005.8), dbSNP rs368995987, ClinGen allele CA6650874.